The following is an entry in ClinVar:

NM_001429.4(EP300):c.2657C>G (p.Pro886Arg)

Gene: EP300 (EP300 lysine acetyltransferase; plus strand). Cytogenetic location: 22q13.2.
Variant type: single nucleotide variant.
Coding change: c.2657C>G on transcript NM_001429.4 (MANE Select); coding-DNA position 2657, C replaced by G.
Protein change: p.Pro886Arg; replaces proline 886 with arginine.
Molecular consequence: missense variant.
Genome position (GRCh38, 1-based): chr22:41,150,038, C>G. VCF-style: chr22-41150038-C-G. GRCh37 (hg19) VCF-style: chr22-41546042-C-G.
Other names: c.2579C>G, p.Pro860Arg (NM_001362843.2); c.2657C>G (NM_001429.3); short protein forms P860R, P886R.
Identifiers: ClinVar variation 2186747 (VCV002186747.5), dbSNP rs1436028814, ClinGen allele CA411691735.
Genomic context (GRCh38, chr22:41,150,038, plus strand): 5'-CTCCTGCCATGCCACCTGGGCCACAGTCCCAGGCTCTACATCCCCCTCCAAGGCAGACAC[C>G]TACACCACCAACAACACAACTTCCCCAACAAGTGCAGCCTTCACTTCCTGCTGCACCTTC-3'
Protein context (NP_001420.2, residues 876-896): QALHPPPRQT[Pro886Arg]TPPTTQLPQQ

ClinVar aggregate classification (germline): Uncertain significance. Review status: criteria provided, multiple submitters, no conflicts (2 of 4 stars). 2 submissions from 2 submitters: Uncertain significance (2). Last evaluated 2024-12-24.

Conditions:
Rubinstein-Taybi syndrome due to EP300 haploinsufficiency. Also called: EP300-Related Rubinstein-Taybi Syndrome; RUBINSTEIN-TAYBI SYNDROME 2. Identifiers: Orphanet 353284, Orphanet 783, MedGen C3150941, MONDO:0013364, OMIM 613684.

Submissions (2):

Labcorp Genetics (formerly Invitae), Labcorp
Classification: Uncertain significance for Rubinstein-Taybi syndrome due to EP300 haploinsufficiency. Last evaluated: 2024-12-24. Review status: criteria provided, single submitter. Criteria: Invitae Variant Classification Sherloc (09022015). Collection method: clinical testing. Allele origin: germline.
Comment: This sequence change replaces proline, which is neutral and non-polar, with arginine, which is basic and polar, at codon 886 of the EP300 protein (p.Pro886Arg). This variant is not present in population databases (gnomAD no frequency). This variant has not been reported in the literature in individuals affected with EP300-related conditions. ClinVar contains an entry for this variant (Variation ID: 2186747). Invitae Evidence Modeling of protein sequence and biophysical properties (such as structural, functional, and spatial information, amino acid conservation, physicochemical variation, residue mobility, and thermodynamic stability) indicates that this missense variant is not expected to disrupt EP300 protein function with a negative predictive value of 80%. In summary, the available evidence is currently insufficient to determine the role of this variant in disease. Therefore, it has been classified as a Variant of Uncertain Significance.

GeneDx
Classification: Uncertain significance. Last evaluated: 2023-12-17. Review status: criteria provided, single submitter. Criteria: GeneDx Variant Classification Process June 2021. Collection method: clinical testing. Allele origin: germline. Affected: yes.
Comment: Not observed at significant frequency in large population cohorts (gnomAD); In silico analysis supports that this missense variant has a deleterious effect on protein structure/function; Has not been previously published as pathogenic or benign to our knowledge